The following is an entry in ClinVar:

ClinVar aggregate classification (germline): Benign/Likely benign. Review status: criteria provided, multiple submitters, no conflicts (2 of 4 stars). 5 submissions from 5 submitters: Benign (1); Likely benign (4). Last evaluated 2025-01-09.

Conditions:
Hereditary cancer-predisposing syndrome. Also called: Hereditary neoplastic syndrome; Hereditary Cancer Syndrome; Neoplastic Syndromes, Hereditary; Tumor predisposition. Identifiers: Orphanet 140162, MedGen C0027672, MeSH D009386, MONDO:0015356.
Familial cancer of breast. Also called: BREAST CANCER, FAMILIAL; hereditary breast carcinoma; Hereditary breast cancer. Identifiers: Orphanet 227535, MedGen C0346153, MONDO:0016419, OMIM 114480. Disease mechanism: loss of function.

Submissions (5):

Myriad Genetics, Inc.
Classification: Benign for Familial cancer of breast. Last evaluated: 2025-01-09. Review status: criteria provided, single submitter. Criteria: Myriad Autosomal Dominant, Autosomal Recessive and X-Linked Classification Criteria (2023). Collection method: clinical testing. Allele origin: unknown.
Comment: This variant is considered benign. This variant is a silent/synonymous amino acid change and it is not expected to impact splicing.

Labcorp Genetics (formerly Invitae), Labcorp
Classification: Likely benign for Familial cancer of breast. Last evaluated: 2024-08-31. Review status: criteria provided, single submitter. Criteria: Invitae Variant Classification Sherloc (09022015). Collection method: clinical testing. Allele origin: germline.

Ambry Genetics
Classification: Likely benign for Hereditary cancer-predisposing syndrome. Last evaluated: 2018-03-09. Review status: criteria provided, single submitter. Criteria: Ambry Variant Classification Scheme 2023. Collection method: clinical testing. Allele origin: germline.

Color Diagnostics, LLC DBA Color Health
Classification: Likely benign for Hereditary cancer-predisposing syndrome. Last evaluated: 2017-06-19. Review status: criteria provided, single submitter. Criteria: ACMG Guidelines, 2015. Collection method: clinical testing. Allele origin: germline.

GeneDx
Classification: Likely benign. Last evaluated: 2015-10-19. Review status: criteria provided, single submitter. Criteria: GeneDx Variant Classification (06012015). Collection method: clinical testing. Allele origin: germline. Affected: yes.
Comment: This variant is considered likely benign or benign based on one or more of the following criteria: it is a conservative change, it occurs at a poorly conserved position in the protein, it is predicted to be benign by multiple in silico algorithms, and/or has population frequency not consistent with disease.

NM_024675.4(PALB2):c.201A>G (p.Leu67=)

Gene: PALB2 (partner and localizer of BRCA2; minus strand). Cytogenetic location: 16p12.2.
Variant type: single nucleotide variant.
Coding change: c.201A>G on transcript NM_024675.4 (MANE Select); coding-DNA position 201, A replaced by G.
Protein change: p.Leu67=; no amino-acid change (leucine 67 retained).
Molecular consequence: synonymous variant.
Genome position (GRCh38, 1-based): chr16:23,637,860, T>C on the plus strand (A>G on the coding strand, the complement: PALB2 is on the minus strand). VCF-style: chr16-23637860-T-C. GRCh37 (hg19) VCF-style: chr16-23649181-T-C.
Identifiers: ClinVar variation 378315 (VCV000378315.17), dbSNP rs1057520340, ClinGen allele CA16607348.